The following is an entry in ClinVar:

ClinVar aggregate classification (germline): Uncertain significance (1 of 4 stars; one submission).

Conditions:
Familial cancer of breast. Also called: BREAST CANCER, FAMILIAL; Hereditary breast cancer; hereditary breast carcinoma. Identifiers: Orphanet 227535, MedGen C0346153, MONDO:0016419, OMIM 114480. Disease mechanism: loss of function.
Fanconi anemia complementation group J. Also called: BRIP1-Related Fanconi Anemia. Identifiers: Orphanet 84, MedGen C1836860, MONDO:0012187, OMIM 609054.

Submission:

Labcorp Genetics (formerly Invitae), Labcorp
Classification: Uncertain significance for Familial cancer of breast; Fanconi anemia complementation group J. Last evaluated: 2022-09-27. Review status: criteria provided, single submitter. Criteria: Invitae Variant Classification Sherloc (09022015). Collection method: clinical testing. Allele origin: germline.
Comment: This sequence change replaces histidine, which is basic and polar, with asparagine, which is neutral and polar, at codon 1200 of the BRIP1 protein (p.His1200Asn). Information on the frequency of this variant in the gnomAD database is not available, as this variant may be reported differently in the database. This variant has not been reported in the literature in individuals affected with BRIP1-related conditions. Experimental studies and prediction algorithms are not available or were not evaluated, and the functional significance of this variant is currently unknown. In summary, the available evidence is currently insufficient to determine the role of this variant in disease. Therefore, it has been classified as a Variant of Uncertain Significance.

NM_032043.3(BRIP1):c.3597_3598delinsCA (p.His1200Asn)

Gene: BRIP1 (BRCA1 interacting DNA helicase 1; minus strand). Cytogenetic location: 17q23.2.
Variant type: Indel.
Coding change: c.3597_3598delinsCA on transcript NM_032043.3 (MANE Select); coding-DNA positions 3597 to 3598, GC replaced by CA.
Protein change: p.His1200Asn; replaces histidine 1200 with asparagine.
Molecular consequence: missense variant.
Genome position (GRCh38, 1-based): chr17:61,683,448-61,683,449, GC replaced by TG on the plus strand (GC replaced by CA on the coding strand, the reverse complement: BRIP1 is on the minus strand). VCF-style: chr17-61683448-GC-TG. GRCh37 (hg19) VCF-style: chr17-59760809-GC-TG.
Other names: short protein forms H1200N.
Identifiers: ClinVar variation 1720523 (VCV001720523.5), dbSNP rs2544553374, ClinGen allele CA2580094547.